The following is an entry in ClinVar:

NM_002225.5(IVD):c.1009C>T (p.Arg337Trp)

Gene: IVD (isovaleryl-CoA dehydrogenase; plus strand). Cytogenetic location: 15q15.1.
Variant type: single nucleotide variant.
Coding change: c.1009C>T on transcript NM_002225.5 (MANE Select); coding-DNA position 1009, C replaced by T.
Protein change: p.Arg337Trp; replaces arginine 337 with tryptophan.
Molecular consequence: missense variant. On other transcripts: non-coding transcript variant (1).
Genome position (GRCh38, 1-based): chr15:40,416,126, C>T. VCF-style: chr15-40416126-C-T. GRCh37 (hg19) VCF-style: chr15-40708325-C-T.
Other names: c.919C>T, p.Arg307Trp (NM_001159508.3); c.961C>T, p.Arg321Trp (NM_001354597.3); c.1009C>T, p.Arg337Trp (NM_001354598.3, NM_001354601.3); c.1096C>T, p.Arg366Trp (NM_001354599.3, NM_001354600.3); short protein forms R321W, R366W, R307W, R337W.
Identifiers: ClinVar variation 653635 (VCV000653635.8), dbSNP rs776608445, ClinGen allele CA7480836.

ClinVar aggregate classification (germline): Conflicting classifications of pathogenicity. Review status: criteria provided, conflicting classifications (1 of 4 stars). 4 submissions from 4 submitters: Likely pathogenic (2); Uncertain significance (2). Last evaluated 2026-06-16.

Conditions:
Isovaleryl-CoA dehydrogenase deficiency (IVA). Also called: ISOVALERIC ACID CoA DEHYDROGENASE DEFICIENCY; IVD DEFICIENCY; Isovaleric acidemia; Classic Isovaleric Acidemia. Identifiers: Orphanet 33, MedGen C0268575, MONDO:0009475, OMIM 243500.

Allele frequency attached by ClinVar (database versions not stated): ExAC 0.00001; gnomAD exomes 0.00001.
gnomAD v4.1: 1 of 1,614,204 alleles (0.000062%); highest among the groups gnomAD compares: South Asian, 0.0011%; no homozygotes.

Submissions (4):

GeneDx
Classification: Likely pathogenic. Last evaluated: 2026-06-16. Review status: criteria provided, single submitter. Criteria: GeneDx Variant Classification Process June 2021. Collection method: clinical testing. Allele origin: germline.
Comment: Not observed at significant frequency in large population cohorts (gnomAD); In silico analysis supports that this missense variant has a deleterious effect on protein structure/function; This variant is associated with the following publications: (PMID: 32778825, 30923063)

Natera, Inc.
Classification: Likely pathogenic for Isovaleryl-coa dehydrogenase deficiency. Last evaluated: 2025-08-13. Review status: criteria provided, single submitter. Criteria: Natera Variant Classification Schema (03/2026). Collection method: clinical testing. Allele origin: germline.
Comment: The c.1018C>T variant in IVD is a missense variant predicted to cause substitution of arginine to tryptophan at amino acid 340. This variant is rare in the general population with a frequency below the threshold expected for the associated phenotype(s). This variant has been observed in one or more individuals affected with the associated recessive disease, as either homozygous or compound heterozygous with a second variant (PMID: 30923063). A different variant at the same position has been determined to be Pathogenic or Likely Pathogenic. Computational prediction algorithms indicate this variant is likely to affect gene or protein function. Given the available evidence, this variant is classified as Likely Pathogenic.

Labcorp Genetics (formerly Invitae), Labcorp
Classification: Uncertain significance for Isovaleryl-CoA dehydrogenase deficiency. Last evaluated: 2023-11-22. Review status: criteria provided, single submitter. Criteria: Invitae Variant Classification Sherloc (09022015). Collection method: clinical testing. Allele origin: germline.
Comment: This sequence change replaces arginine, which is basic and polar, with tryptophan, which is neutral and slightly polar, at codon 340 of the IVD protein (p.Arg340Trp). This variant is present in population databases (rs776608445, gnomAD 0.003%). This missense change has been observed in individual(s) with clinical features of IVD-related conditions (PMID: 32778825). ClinVar contains an entry for this variant (Variation ID: 653635). An algorithm developed to predict the effect of missense changes on protein structure and function (PolyPhen-2) suggests that this variant is likely to be disruptive. In summary, the available evidence is currently insufficient to determine the role of this variant in disease. Therefore, it has been classified as a Variant of Uncertain Significance.

Baylor Genetics
Classification: Uncertain significance for Isovaleryl-CoA dehydrogenase deficiency. Last evaluated: 2019-06-19. Review status: criteria provided, single submitter. Criteria: ACMG Guidelines, 2015. Collection method: clinical testing. Allele origin: maternal. Affected: yes.
Comment: This variant was determined to be of uncertain significance according to ACMG Guidelines, 2015 [PMID:25741868].

Literature cited by the submitters: PubMed 30923063 (cited by Natera, Inc.); PubMed 32778825 (cited by Labcorp Genetics (formerly Invitae), Labcorp).